The following is an entry in ClinVar:

ClinVar aggregate classification (germline): Likely benign (1 of 4 stars; one submission).

Allele frequency attached by ClinVar (database versions not stated): gnomAD exomes below 0.00001; TOPMed below 0.00001.
gnomAD v4.1: 1 of 1,612,000 alleles (0.000062%); highest among the groups gnomAD compares: Non-Finnish European, 0.000085%; no homozygotes.

Submission:

GeneDx
Classification: Likely benign. Last evaluated: 2017-06-20. Review status: criteria provided, single submitter. Criteria: GeneDx Variant Classification (06012015). Collection method: clinical testing. Allele origin: germline. Affected: yes.
Comment: This variant is considered likely benign or benign based on one or more of the following criteria: it is a conservative change, it occurs at a poorly conserved position in the protein, it is predicted to be benign by multiple in silico algorithms, and/or has population frequency not consistent with disease.

NM_001035.3(RYR2):c.3066+19T>G

Gene: RYR2 (ryanodine receptor 2; plus strand). Cytogenetic location: 1q43.
Variant type: single nucleotide variant.
Coding change: c.3066+19T>G on transcript NM_001035.3 (MANE Select); 19 bases into the intron after coding-DNA position 3066, T replaced by G.
Molecular consequence: intron variant.
Genome position (GRCh38, 1-based): chr1:237,548,609, T>G. VCF-style: chr1-237548609-T-G. GRCh37 (hg19) VCF-style: chr1-237711909-T-G.
Other names: c.3066+19T>G (LRG_402t1).
Identifiers: ClinVar variation 518047 (VCV000518047.1), dbSNP rs1224027406, ClinGen allele CA529543130.